The following is an entry in ClinVar:

NC_000002.11:g.(?_238242073)_(238243552_?)del

Gene: COL6A3 (collagen type VI alpha 3 chain; minus strand). Cytogenetic location: 2q37.3.
Variant type: Deletion.
Identifiers: ClinVar variation 1047028 (VCV001047028.3).

ClinVar aggregate classification (germline): Uncertain significance (1 of 4 stars; one submission).

Conditions:
Bethlem myopathy 1A. Also called: Bethlem Muscular Dystrophy; MYOPATHY, BENIGN CONGENITAL, WITH CONTRACTURES; Bethlem myopathy 1. Identifiers: Orphanet 610, MedGen CN029274, MONDO:0024530, OMIM 158810.

Submission:

Labcorp Genetics (formerly Invitae), Labcorp
Classification: Uncertain significance for Bethlem myopathy 1A. Last evaluated: 2016-10-09. Review status: criteria provided, single submitter. Criteria: Invitae Variant Classification Sherloc (09022015). Collection method: clinical testing. Allele origin: germline.
Comment: This variant is a gross deletion of the genomic region encompassing exons 41-42 of the COL6A3 gene. This leads to an in-frame deletion, preserving the integrity of the reading frame. This variant has not been reported in the literature in an individual with a COL6A3-related disease. Experimental studies and prediction algorithms are not available for this variant, and the functional significance of the deleted amino acids is currently unknown. In summary, the impact of this deletion on COL6A3 protein function has not been established. Therefore, it has been classified as a Variant of Unknown Significance.